The following is an entry in ClinVar:

ClinVar aggregate classification (germline): Conflicting classifications of pathogenicity. Review status: criteria provided, conflicting classifications (1 of 4 stars). 3 submissions from 3 submitters: Uncertain significance (2); Likely benign (1). Last evaluated 2025-12-10.

Conditions:
Inborn genetic diseases. Identifiers: MedGen C0950123, MeSH D030342.

Submissions (3):

Ambry Genetics
Classification: Likely benign for Inborn genetic diseases. Last evaluated: 2025-12-10. Review status: criteria provided, single submitter. Criteria: Ambry Variant Classification Scheme 2023. Collection method: clinical testing. Allele origin: germline.

Labcorp Genetics (formerly Invitae), Labcorp
Classification: Uncertain significance. Last evaluated: 2024-02-22. Review status: criteria provided, single submitter. Criteria: Invitae Variant Classification Sherloc (09022015). Collection method: clinical testing. Allele origin: germline.
Comment: This sequence change replaces serine, which is neutral and polar, with asparagine, which is neutral and polar, at codon 929 of the SAMD9L protein (p.Ser929Asn). This variant is present in population databases (no rsID available, gnomAD 0.003%). This variant has not been reported in the literature in individuals affected with SAMD9L-related conditions. Algorithms developed to predict the effect of missense changes on protein structure and function output the following: SIFT: "Not Available"; PolyPhen-2: "Benign"; Align-GVGD: "Not Available". The asparagine amino acid residue is found in multiple mammalian species, which suggests that this missense change does not adversely affect protein function. In summary, the available evidence is currently insufficient to determine the role of this variant in disease. Therefore, it has been classified as a Variant of Uncertain Significance.

GeneDx
Classification: Uncertain significance. Last evaluated: 2024-02-20. Review status: criteria provided, single submitter. Criteria: GeneDx Variant Classification Process June 2021. Collection method: clinical testing. Allele origin: germline. Affected: yes.
Comment: Not observed at significant frequency in large population cohorts (gnomAD); In silico analysis supports that this missense variant does not alter protein structure/function; Has not been previously published as pathogenic or benign to our knowledge; This variant is associated with the following publications: (PMID: 28545555)

NM_152703.5(SAMD9L):c.2786G>A (p.Ser929Asn)

Gene: SAMD9L (sterile alpha motif domain containing 9 like; minus strand). Cytogenetic location: 7q21.2.
Variant type: single nucleotide variant.
Coding change: c.2786G>A on transcript NM_152703.5 (MANE Select); coding-DNA position 2786, G replaced by A.
Protein change: p.Ser929Asn; replaces serine 929 with asparagine.
Molecular consequence: missense variant.
Genome position (GRCh38, 1-based): chr7:93,133,186, C>T on the plus strand (G>A on the coding strand, the complement: SAMD9L is on the minus strand). VCF-style: chr7-93133186-C-T. GRCh37 (hg19) VCF-style: chr7-92762499-C-T.
Other names: c.2786G>A, p.Ser929Asn (NM_001303496.3, NM_001303497.3, NM_001303498.3 and 5 more transcripts); c.2786G>A (NM_152703.2); short protein forms S929N.
Identifiers: ClinVar variation 3369456 (VCV003369456.4).